The following is an entry in ClinVar:

ClinVar aggregate classification (germline): Conflicting classifications of pathogenicity. Review status: criteria provided, conflicting classifications (1 of 4 stars). 5 submissions from 5 submitters: Uncertain significance (3); Benign (1). 1 of the submissions does not count toward it. Last evaluated 2023-12-22.

Conditions:
Nemaline myopathy 2 (NEM2). Also called: Nemaline myopathy 2, autosomal recessive. Identifiers: MedGen C1850569, MONDO:0009725, OMIM 256030.

Allele frequency attached by ClinVar (database versions not stated): gnomAD exomes 0.00003 and 0.00004; ExAC 0.00004; gnomAD 0.00004; TOPMed 0.00006.
gnomAD v4.1: 58 of 1,605,056 alleles (0.0036%); highest among the groups gnomAD compares: African/African-American, 0.013%; no homozygotes.

Submissions (5):

Labcorp Genetics (formerly Invitae), Labcorp
Classification: Benign for Nemaline myopathy 2. Last evaluated: 2023-12-22. Review status: criteria provided, single submitter. Criteria: Invitae Variant Classification Sherloc (09022015). Collection method: clinical testing. Allele origin: germline.

GeneDx
Classification: Uncertain significance. Last evaluated: 2021-11-23. Review status: criteria provided, single submitter. Criteria: GeneDx Variant Classification Process June 2021. Collection method: clinical testing. Allele origin: germline. Affected: yes.
Comment: In silico analysis supports a deleterious effect on splicing; In silico analysis supports that this missense variant does not alter protein structure/function; Has not been previously published as pathogenic or benign to our knowledge

Revvity Omics, Revvity
Classification: Uncertain significance. Last evaluated: 2021-05-17. Review status: criteria provided, single submitter. Criteria: ACMG Guidelines, 2015. Collection method: clinical testing. Allele origin: germline.

Illumina Laboratory Services, Illumina
Classification: Uncertain significance for Nemaline myopathy 2. Last evaluated: 2018-01-13. Review status: criteria provided, single submitter. Criteria: ICSL Variant Classification Criteria 13 December 2019. Collection method: clinical testing. Allele origin: germline.

Natera, Inc.
Classification: Uncertain significance for Nemaline myopathy type 2. Last evaluated: 2020-09-16. Review status: no assertion criteria provided. Collection method: clinical testing. Allele origin: germline. Not counted in ClinVar's aggregate classification.

NM_001164508.2(NEB):c.17048C>T (p.Ala5683Val)

Gene: NEB (nebulin; minus strand). Cytogenetic location: 2q23.3.
Variant type: single nucleotide variant.
Coding change: c.17048C>T on transcript NM_001164508.2 (MANE Select); coding-DNA position 17048, C replaced by T.
Protein change: p.Ala5683Val; replaces alanine 5683 with valine.
Molecular consequence: missense variant.
Genome position (GRCh38, 1-based): chr2:151,570,567, G>A on the plus strand (C>T on the coding strand, the complement: NEB is on the minus strand). VCF-style: chr2-151570567-G-A. GRCh37 (hg19) VCF-style: chr2-152427081-G-A.
Other names: c.17048C>T, p.Ala5683Val (NM_001164507.2, NM_001271208.2); c.11945C>T, p.Ala3982Val (NM_004543.5); short protein forms A5683V, A3982V.
Identifiers: ClinVar variation 453111 (VCV000453111.17), dbSNP rs761829162, ClinGen allele CA1908312.